The following is an entry in ClinVar:

ClinVar aggregate classification (germline): Uncertain significance (1 of 4 stars; one submission).

Submission:

Labcorp Genetics (formerly Invitae), Labcorp
Classification: Uncertain significance. Last evaluated: 2021-10-04. Review status: criteria provided, single submitter. Criteria: Invitae Variant Classification Sherloc (09022015). Collection method: clinical testing. Allele origin: germline.
Comment: This sequence change replaces proline with leucine at codon 216 of the KARS protein (p.Pro216Leu). The proline residue is highly conserved and there is a moderate physicochemical difference between proline and leucine. This variant is not present in population databases (ExAC no frequency). This variant has not been reported in the literature in individuals affected with KARS-related conditions. Algorithms developed to predict the effect of missense changes on protein structure and function are either unavailable or do not agree on the potential impact of this missense change (SIFT: "Tolerated"; PolyPhen-2: "Probably Damaging"; Align-GVGD: "Class C0"). In summary, the available evidence is currently insufficient to determine the role of this variant in disease. Therefore, it has been classified as a Variant of Uncertain Significance.

NM_005548.3(KARS1):c.563C>T (p.Pro188Leu)

Gene: KARS1 (lysyl-tRNA synthetase 1; minus strand). Cytogenetic location: 16q23.1.
Variant type: single nucleotide variant.
Coding change: c.563C>T on transcript NM_005548.3 (MANE Select); coding-DNA position 563, C replaced by T.
Protein change: p.Pro188Leu; replaces proline 188 with leucine.
Molecular consequence: missense variant.
Genome position (GRCh38, 1-based): chr16:75,636,018, G>A on the plus strand (C>T on the coding strand, the complement: KARS1 is on the minus strand). VCF-style: chr16-75636018-G-A. GRCh37 (hg19) VCF-style: chr16-75669916-G-A.
Other names: c.647C>T, p.Pro216Leu (NM_001130089.2); c.95C>T, p.Pro32Leu (NM_001378148.1); short protein forms P188L, P216L, P32L.
Identifiers: ClinVar variation 1682440 (VCV001682440.6), dbSNP rs2151805880, ClinGen allele CA396813854.
Genomic context (GRCh38, chr16:75,636,018, plus strand): 5'-GGAGACAGCAGTGTGATCTCATACGGAATGATGCTCAGCTCACCCTTCTTGGTTTTACCA[G>A]GATTCCCCTGAACTCCAATTATGTCTCCCCGACGCAGTTTGTTATTAATATGAATAAATT-3'
Protein context (NP_005539.1, residues 178-198): RGDIIGVQGN[Pro188Leu]GKTKKGELSI